The following is an entry in ClinVar:

ClinVar aggregate classification (germline): Benign (1 of 4 stars; one submission).

Allele frequency attached by ClinVar (database versions not stated): gnomAD 0.17854 and 0.17856; TOPMed 0.19666; 1000 Genomes Project 30x 0.22673; 1000 Genomes Project 0.23442.
gnomAD v4.1: 96,483 of 807,844 alleles (12%); highest among the groups gnomAD compares: East Asian, 43%; 10,092 homozygotes.

Submission:

GeneDx
Classification: Benign. Last evaluated: 2018-06-19. Review status: criteria provided, single submitter. Criteria: GeneDx Variant Classification (06012015). Collection method: clinical testing. Allele origin: germline. Affected: yes.
Comment: This variant is considered likely benign or benign based on one or more of the following criteria: it is a conservative change, it occurs at a poorly conserved position in the protein, it is predicted to be benign by multiple in silico algorithms, and/or has population frequency not consistent with disease.

NM_172107.4(KCNQ2):c.1888-138C>G

Gene: KCNQ2 (potassium voltage-gated channel subfamily Q member 2; minus strand). Cytogenetic location: 20q13.33.
Variant type: single nucleotide variant.
Coding change: c.1888-138C>G on transcript NM_172107.4 (MANE Select); 138 bases into the intron before coding-DNA position 1888, C replaced by G.
Molecular consequence: intron variant.
Genome position (GRCh38, 1-based): chr20:63,407,513, G>C on the plus strand (C>G on the coding strand, the complement: KCNQ2 is on the minus strand). VCF-style: chr20-63407513-G-C. GRCh37 (hg19) VCF-style: chr20-62038866-G-C.
Other names: c.1804-138C>G (NM_004518.6); c.1795-138C>G (NM_172108.5); c.1834-138C>G (NM_172106.3).
Identifiers: ClinVar variation 682065 (VCV000682065.1), dbSNP rs3746362, ClinGen allele CA317422828.